The following is an entry in ClinVar:

ClinVar aggregate classification (germline): Conflicting classifications of pathogenicity. Review status: criteria provided, conflicting classifications (1 of 4 stars). 7 submissions from 7 submitters: Uncertain significance (2); Likely benign (4). 1 of the submissions does not count toward it. Last evaluated 2026-01-21.

Conditions:
RAB23-related disorder. Also called: RAB23-related condition.
Carpenter syndrome. Identifiers: Orphanet 65759, MedGen C1275078, MONDO:0019012.
RAB23-related Carpenter syndrome. Also called: Carpenter syndrome 1; ACPS II. Identifiers: Orphanet 65759, MedGen C4551510, MONDO:0008710, OMIM 201000.

Allele frequency attached by ClinVar (database versions not stated): TOPMed 0.00002; gnomAD 0.00016 and 0.00001; ExAC 0.00059; 1000 Genomes Project 0.00080; gnomAD exomes 0.00055; 1000 Genomes Project 30x 0.00062.
gnomAD v4.1: 395 of 1,602,074 alleles (0.025%); highest among the groups gnomAD compares: South Asian, 0.41%; 5 homozygotes.

Submissions (7):

Labcorp Genetics (formerly Invitae), Labcorp
Classification: Likely benign for Carpenter syndrome. Last evaluated: 2026-01-21. Review status: criteria provided, single submitter. Criteria: Invitae Variant Classification Sherloc (09022015). Collection method: clinical testing. Allele origin: germline.

PreventionGenetics, part of Exact Sciences
Classification: Likely benign for RAB23-related condition. Last evaluated: 2025-08-27. Review status: criteria provided, single submitter. Criteria: ACMG Guidelines, 2015. Collection method: clinical testing. Allele origin: germline.
Comment: This variant is classified as likely benign based on ACMG/AMP sequence variant interpretation guidelines (Richards et al. 2015 PMID: 25741868, with internal and published modifications).

Genome-Nilou Lab
Classification: Likely benign for RAB23-related Carpenter syndrome. Last evaluated: 2021-05-18. Review status: criteria provided, single submitter. Criteria: ACMG Guidelines, 2015. Collection method: clinical testing. Allele origin: germline. Affected: no.

GeneDx
Classification: Uncertain significance. Last evaluated: 2020-05-05. Review status: criteria provided, single submitter. Criteria: GeneDx Variant Classification Process June 2021. Collection method: clinical testing. Allele origin: germline. Affected: yes.
Comment: In silico analysis supports that this missense variant has a deleterious effect on protein structure/function; Has not been previously published as pathogenic or benign to our knowledge

Illumina Laboratory Services, Illumina
Classification: Likely benign for RAB23-related Carpenter syndrome. Last evaluated: 2018-01-13. Review status: criteria provided, single submitter. Criteria: ICSL Variant Classification Criteria 13 December 2019. Collection method: clinical testing. Allele origin: germline.
Comment: This variant was observed in the ICSL laboratory as part of a predisposition screen in an ostensibly healthy population. It had not been previously curated by ICSL or reported in the Human Gene Mutation Database (HGMD: prior to June 1st, 2018), and was therefore a candidate for classification through an automated scoring system. Utilizing variant allele frequency, disease prevalence and penetrance estimates, and inheritance mode, an automated score was calculated to assess if this variant is too frequent to cause the disease. Based on the score and internal cut-off values, a variant classified as likely benign is not then subjected to further curation. The score for this variant resulted in a classification of likely benign for this disease.

Genetic Services Laboratory, University of Chicago
Classification: Uncertain significance. Last evaluated: 2015-02-16. Review status: criteria provided, single submitter. Criteria: ACMG Guidelines, 2015. Collection method: clinical testing. Allele origin: germline.

Natera, Inc.
Classification: Benign for Carpenter syndrome 1. Last evaluated: 2019-11-11. Review status: no assertion criteria provided. Collection method: clinical testing. Allele origin: germline. Not counted in ClinVar's aggregate classification.

NM_016277.5(RAB23):c.218C>T (p.Ala73Val)

Gene: RAB23 (RAB23, member RAS oncogene family; minus strand). Cytogenetic location: 6p11.2.
Variant type: single nucleotide variant.
Coding change: c.218C>T on transcript NM_016277.5 (MANE Select); coding-DNA position 218, C replaced by T.
Protein change: p.Ala73Val; replaces alanine 73 with valine.
Molecular consequence: missense variant.
Genome position (GRCh38, 1-based): chr6:57,207,651, G>A on the plus strand (C>T on the coding strand, the complement: RAB23 is on the minus strand). VCF-style: chr6-57207651-G-A. GRCh37 (hg19) VCF-style: chr6-57072449-G-A.
Other names: c.218C>T, p.Ala73Val (NM_001278666.2, NM_001278667.2, NM_001278668.2 and 1 more transcripts); short protein forms A73V.
Identifiers: ClinVar variation 211976 (VCV000211976.27), dbSNP rs556931606, ClinGen allele CA207593.
Genomic context (GRCh38, chr6:57,207,651, plus strand): 5'-GCCCAAACAAAATAAATAAATAAATCCTGTGTTTTACCTCGATAGTAGGCCTTTGTAATT[G>A]CATCAAATTCCTCCTGACCTGCAGTGTCCCATAACATTAGTCTGACATCTTCATCATTAA-3'
Protein context (NP_057361.3, residues 63-83): WDTAGQEEFD[Ala73Val]ITKAYYRGAQ